The following is an entry in ClinVar:

ClinVar aggregate classification (germline): Uncertain significance. Review status: criteria provided, multiple submitters, no conflicts (2 of 4 stars). 2 submissions from 2 submitters: Uncertain significance (2). Last evaluated 2023-05-16.

Conditions:
Progressive myoclonic epilepsy type 5. Identifiers: Orphanet 402082, MedGen C5190799.
Progressive myoclonic epilepsy. Also called: Familial progressive myoclonic epilepsy; Progressive myoclonus epilepsy; Myoclonus epilepsy; Myoclonic Epilepsies, Progressive. Identifiers: Orphanet 308, Orphanet 98261, MedGen C0751778, MONDO:0020074.

Allele frequency attached by ClinVar (database versions not stated): gnomAD exomes below 0.00001 and 0.00001; ExAC 0.00001; gnomAD 0.00002; TOPMed 0.00002.
gnomAD v4.1: 10 of 1,613,990 alleles (0.00062%); highest among the groups gnomAD compares: Admixed American, 0.0017%; no homozygotes.

Submissions (2):

Labcorp Genetics (formerly Invitae), Labcorp
Classification: Uncertain significance for Progressive myoclonic epilepsy type 5. Last evaluated: 2023-05-16. Review status: criteria provided, single submitter. Criteria: Invitae Variant Classification Sherloc (09022015). Collection method: clinical testing. Allele origin: germline.
Comment: This sequence change replaces arginine, which is basic and polar, with cysteine, which is neutral and slightly polar, at codon 521 of the PRICKLE2 protein (p.Arg521Cys). In summary, the available evidence is currently insufficient to determine the role of this variant in disease. Therefore, it has been classified as a Variant of Uncertain Significance. Advanced modeling of protein sequence and biophysical properties (such as structural, functional, and spatial information, amino acid conservation, physicochemical variation, residue mobility, and thermodynamic stability) performed at Invitae indicates that this missense variant is not expected to disrupt PRICKLE2 protein function. ClinVar contains an entry for this variant (Variation ID: 579483). This variant has not been reported in the literature in individuals affected with PRICKLE2-related conditions. This variant is present in population databases (rs749232741, gnomAD 0.008%).

Illumina Laboratory Services, Illumina
Classification: Uncertain significance for Progressive myoclonic epilepsy. Last evaluated: 2018-01-13. Review status: criteria provided, single submitter. Criteria: ICSL Variant Classification Criteria 13 December 2019. Collection method: clinical testing. Allele origin: germline.

NM_198859.4(PRICKLE2):c.1561C>T (p.Arg521Cys)

Gene: PRICKLE2 (prickle planar cell polarity protein 2; minus strand). Cytogenetic location: 3p14.1.
Variant type: single nucleotide variant.
Coding change: c.1561C>T on transcript NM_198859.4 (MANE Select); coding-DNA position 1561, C replaced by T.
Protein change: p.Arg521Cys; replaces arginine 521 with cysteine.
Molecular consequence: missense variant.
Genome position (GRCh38, 1-based): chr3:64,146,929, G>A on the plus strand (C>T on the coding strand, the complement: PRICKLE2 is on the minus strand). VCF-style: chr3-64146929-G-A. GRCh37 (hg19) VCF-style: chr3-64132605-G-A.
Other names: c.1561C>T, p.Arg521Cys (NM_001370528.1); short protein forms R521C.
Identifiers: ClinVar variation 579483 (VCV000579483.10), dbSNP rs749232741, ClinGen allele CA2479606.
Genomic context (GRCh38, chr3:64,146,929, plus strand): 5'-GAGGGGTCTGCTCTGTGGGCGTCATGTCCTCTGTGTATTTCAGGGAACTGATGGGATGAC[G>A]GGTCCGACACTGCTGAGTGGACAAGCCCCCTTCCTCTTCCTCTTCCTCCTCATATTTGGG-3'
Protein context (NP_942559.1, residues 511-531): GGLSTQQCRT[Arg521Cys]HPISSLKYTE